The following is an entry in ClinVar:

ClinVar aggregate classification (germline): Uncertain significance (1 of 4 stars; one submission).

Conditions:
Alagille syndrome due to a JAG1 point mutation. Also called: HEPATIC DUCTULAR HYPOPLASIA, SYNDROMATIC; Alagille Syndrome 1; JAG1-Related Alagille Syndrome. Identifiers: Orphanet 261619, Orphanet 52, MedGen C1956125, MONDO:0016862, OMIM 118450.

Submission:

Labcorp Genetics (formerly Invitae), Labcorp
Classification: Uncertain significance for Alagille syndrome due to a JAG1 point mutation. Last evaluated: 2023-02-27. Review status: criteria provided, single submitter. Criteria: Invitae Variant Classification Sherloc (09022015). Collection method: clinical testing. Allele origin: germline.
Comment: This sequence change replaces lysine, which is basic and polar, with glutamic acid, which is acidic and polar, at codon 1163 of the JAG1 protein (p.Lys1163Glu). In summary, the available evidence is currently insufficient to determine the role of this variant in disease. Therefore, it has been classified as a Variant of Uncertain Significance. Advanced modeling of protein sequence and biophysical properties (such as structural, functional, and spatial information, amino acid conservation, physicochemical variation, residue mobility, and thermodynamic stability) performed at Invitae indicates that this missense variant is not expected to disrupt JAG1 protein function. ClinVar contains an entry for this variant (Variation ID: 1718501). This variant has not been reported in the literature in individuals affected with JAG1-related conditions. This variant is not present in population databases (gnomAD no frequency).

NM_000214.3(JAG1):c.3487A>G (p.Lys1163Glu)

Gene: JAG1 (jagged canonical Notch ligand 1; minus strand). Cytogenetic location: 20p12.2.
Variant type: single nucleotide variant.
Coding change: c.3487A>G on transcript NM_000214.3 (MANE Select); coding-DNA position 3487, A replaced by G.
Protein change: p.Lys1163Glu; replaces lysine 1163 with glutamic acid.
Molecular consequence: missense variant.
Genome position (GRCh38, 1-based): chr20:10,639,668, T>C on the plus strand (A>G on the coding strand, the complement: JAG1 is on the minus strand). VCF-style: chr20-10639668-T-C. GRCh37 (hg19) VCF-style: chr20-10620316-T-C.
Other names: short protein forms K1163E.
Identifiers: ClinVar variation 1718501 (VCV001718501.5), dbSNP rs2514506319, ClinGen allele CA408242774.